The following is an entry in ClinVar:

NC_000016.10:g.67660351C>T

Genes: ACD (ACD shelterin complex subunit and telomerase recruitment factor; minus strand), LOC130059224 (ATAC-STARR-seq lymphoblastoid silent region 7617; plus strand). Cytogenetic location: 16q22.1.
Variant type: single nucleotide variant.
Genome position: GRCh38 VCF-style: chr16-67660351-C-T. GRCh37 (hg19) VCF-style: chr16-67694254-C-T.
Other names: short protein forms R43Q.
Identifiers: ClinVar variation 1503445 (VCV001503445.47), dbSNP rs767099534, ClinGen allele CA8114900.
Genomic context (GRCh38, chr16:67,660,351, plus strand): 5'-GGAAGAGGAAGCTCCTTCGCTGGGCGGGGCCGGAGGAGGAGGCCCCGCCCACGTACACCC[C>T]GCGCCTGCGCACGAGGGCGTCCTGCTCGGGGGCCTGTGTGCAGACTCCCGCTGGTCCACC-3'

ClinVar aggregate classification (germline): Uncertain significance. Review status: criteria provided, multiple submitters, no conflicts (2 of 4 stars). 2 submissions from 2 submitters: Uncertain significance (2). Last evaluated 2023-10-10.

Conditions:
Inborn genetic diseases. Identifiers: MedGen C0950123, MeSH D030342.
Dyskeratosis congenita, autosomal dominant 6 (DKCA6). Identifiers: Orphanet 3322, MedGen C4225284, MONDO:0014690, OMIM 616553.

Allele frequency attached by ClinVar (database versions not stated): ExAC 0.00001.

Submissions (2):

Labcorp Genetics (formerly Invitae), Labcorp
Classification: Uncertain significance for Dyskeratosis congenita, autosomal dominant 6. Last evaluated: 2023-10-10. Review status: criteria provided, single submitter. Criteria: Invitae Variant Classification Sherloc (09022015). Collection method: clinical testing. Allele origin: germline.
Comment: This sequence change replaces arginine, which is basic and polar, with glutamine, which is neutral and polar, at codon 43 of the ACD protein (p.Arg43Gln). This variant is present in population databases (rs767099534, gnomAD 0.003%). This variant has not been reported in the literature in individuals affected with ACD-related conditions. ClinVar contains an entry for this variant (Variation ID: 1503445). Algorithms developed to predict the effect of missense changes on protein structure and function output the following: SIFT: "Not Available"; PolyPhen-2: "Benign"; Align-GVGD: "Not Available". The glutamine amino acid residue is found in multiple mammalian species, which suggests that this missense change does not adversely affect protein function. In summary, the available evidence is currently insufficient to determine the role of this variant in disease. Therefore, it has been classified as a Variant of Uncertain Significance.

Ambry Genetics
Classification: Uncertain significance for Inborn genetic diseases. Last evaluated: 2022-05-21. Review status: criteria provided, single submitter. Criteria: Ambry Variant Classification Scheme 2023. Collection method: clinical testing. Allele origin: germline.
Comment: The p.R43Q variant (also known as c.128G>A), located in coding exon 1 of the ACD gene, results from a G to A substitution at nucleotide position 128. The arginine at codon 43 is replaced by glutamine, an amino acid with highly similar properties. This amino acid position is conserved. In addition, this alteration is predicted to be tolerated by in silico analysis. Since supporting evidence is limited at this time, the clinical significance of this alteration remains unclear.